The following is an entry in ClinVar:

ClinVar aggregate classification (germline): Benign (1 of 4 stars; one submission).

Conditions:
Familial adenomatous polyposis 1 (FAP1). Also called: POLYPOSIS, ADENOMATOUS INTESTINAL; FAMILIAL ADENOMATOUS POLYPOSIS 1, ATTENUATED. Identifiers: MedGen C2713442, MONDO:0021056, OMIM 175100. Disease mechanism: loss of function.

Submission:

Myriad Genetics, Inc.
Classification: Benign for Familial adenomatous polyposis 1. Last evaluated: 2024-03-27. Review status: criteria provided, single submitter. Criteria: Myriad Autosomal Dominant, Autosomal Recessive and X-Linked Classification Criteria (2023). Collection method: clinical testing. Allele origin: unknown.
Comment: This variant is considered benign. This variant is a silent/synonymous amino acid change and it is not expected to impact splicing.

NM_000038.6(APC):c.4806T>G (p.Pro1602=)

Gene: APC (APC regulator of Wnt signaling pathway; plus strand). Cytogenetic location: 5q22.2.
Variant type: single nucleotide variant.
Coding change: c.4806T>G on transcript NM_000038.6 (MANE Select); coding-DNA position 4806, T replaced by G.
Protein change: p.Pro1602=; no amino-acid change (proline 1602 retained).
Molecular consequence: synonymous variant. On other transcripts: non-coding transcript variant (2).
Genome position (GRCh38, 1-based): chr5:112,840,400, T>G. VCF-style: chr5-112840400-T-G. GRCh37 (hg19) VCF-style: chr5-112176097-T-G.
Other names: c.4806T>G, p.Pro1602= (NM_001127510.3, NM_001354895.2, NM_001407450.1); c.4752T>G, p.Pro1584= (NM_001127511.3); c.4860T>G, p.Pro1620= (NM_001354896.2, NM_001407447.1, NM_001407448.1 and 1 more transcripts); c.4836T>G, p.Pro1612= (NM_001354897.2); c.4731T>G, p.Pro1577= (NM_001354898.2); c.4722T>G, p.Pro1574= (NM_001354899.2); c.4683T>G, p.Pro1561= (NM_001354900.2); c.4629T>G, p.Pro1543= (NM_001354901.2, NM_001407453.1); and 11 more.
Identifiers: ClinVar variation 3148543 (VCV003148543.1), dbSNP rs1160772397, ClinGen allele CA446208054.
Genomic context (GRCh38, chr5:112,840,400, plus strand): 5'-CATGCCAACAAAGTCATCACGTAAAGCAAAAAAGCCAGCCCAGACTGCTTCAAAATTACC[T>G]CCACCTGTGGCAAGGAAACCAAGTCAGCTGCCTGTGTACAAACTTCTACCATCACAAAAC-3'
Protein context (NP_000029.2, residues 1592-1612): KKPAQTASKL[Pro1602=]PPVARKPSQL